The following is an entry in ClinVar:

NM_001197104.2(KMT2A):c.304G>A (p.Gly102Arg)

Gene: KMT2A (lysine methyltransferase 2A; plus strand). Cytogenetic location: 11q23.3.
Variant type: single nucleotide variant.
Coding change: c.304G>A on transcript NM_001197104.2 (MANE Select); coding-DNA position 304, G replaced by A.
Protein change: p.Gly102Arg; replaces glycine 102 with arginine.
Molecular consequence: missense variant.
Genome position (GRCh38, 1-based): chr11:118,436,816, G>A. VCF-style: chr11-118436816-G-A. GRCh37 (hg19) VCF-style: chr11-118307531-G-A.
Other names: c.304G>A, p.Gly102Arg (NM_001412597.1, NM_005933.4); short protein forms G102R.
Identifiers: ClinVar variation 1967465 (VCV001967465.6), dbSNP rs781876156, ClinGen allele CA6303230.

ClinVar aggregate classification (germline): Uncertain significance. Review status: criteria provided, multiple submitters, no conflicts (2 of 4 stars). 2 submissions from 2 submitters: Uncertain significance (2). Last evaluated 2025-04-17.

Allele frequency attached by ClinVar (database versions not stated): gnomAD 0.00002; gnomAD exomes 0.00001; TOPMed 0.00001; ExAC 0.00008.
gnomAD v4.1: 20 of 1,609,172 alleles (0.0012%); highest among the groups gnomAD compares: Non-Finnish European, 0.0015%; no homozygotes.

Submissions (2):

Labcorp Genetics (formerly Invitae), Labcorp
Classification: Uncertain significance. Last evaluated: 2025-04-17. Review status: criteria provided, single submitter. Criteria: Invitae Variant Classification Sherloc (09022015). Collection method: clinical testing. Allele origin: germline.
Comment: This sequence change replaces glycine, which is neutral and non-polar, with arginine, which is basic and polar, at codon 102 of the KMT2A protein (p.Gly102Arg). This variant is present in population databases (rs781876156, gnomAD 0.007%). This variant has not been reported in the literature in individuals affected with KMT2A-related conditions. ClinVar contains an entry for this variant (Variation ID: 1967465). Invitae Evidence Modeling of protein sequence and biophysical properties (such as structural, functional, and spatial information, amino acid conservation, physicochemical variation, residue mobility, and thermodynamic stability) has been performed for this missense variant. However, the output from this modeling did not meet the statistical confidence thresholds required to predict the impact of this variant on KMT2A protein function. In summary, the available evidence is currently insufficient to determine the role of this variant in disease. Therefore, it has been classified as a Variant of Uncertain Significance.

GeneDx
Classification: Uncertain significance. Last evaluated: 2022-12-22. Review status: criteria provided, single submitter. Criteria: GeneDx Variant Classification Process June 2021. Collection method: clinical testing. Allele origin: germline. Affected: yes.
Comment: In silico analysis supports that this missense variant has a deleterious effect on protein structure/function; Has not been previously published as pathogenic or benign to our knowledge